The following is an entry in ClinVar:

ClinVar aggregate classification (germline): Uncertain significance (1 of 4 stars; one submission).

Conditions:
Neuronal ceroid lipofuscinosis. Also called: Neuronal Ceroid Lipofuscinoses. Identifiers: Orphanet 216, Orphanet 79263, MedGen C0027877, MONDO:0016295. Disease mechanism: loss of function.
Neuronal ceroid lipofuscinosis 10 (CLN10). Also called: CTSD-Related Neuronal Ceroid-Lipofuscinosis; NEURONAL CEROID LIPOFUSCINOSIS DUE TO CATHEPSIN D DEFICIENCY. Identifiers: Orphanet 228337, MedGen C1864669, MONDO:0012414, OMIM 610127.

Submission:

Labcorp Genetics (formerly Invitae), Labcorp
Classification: Uncertain significance for Neuronal ceroid lipofuscinosis. Last evaluated: 2022-04-13. Review status: criteria provided, single submitter. Criteria: Invitae Variant Classification Sherloc (09022015). Collection method: clinical testing. Allele origin: germline.
Comment: This sequence change replaces methionine, which is neutral and non-polar, with isoleucine, which is neutral and non-polar, at codon 219 of the CTSD protein (p.Met219Ile). This variant is not present in population databases (gnomAD no frequency). This variant has not been reported in the literature in individuals affected with CTSD-related conditions. Algorithms developed to predict the effect of missense changes on protein structure and function are either unavailable or do not agree on the potential impact of this missense change (SIFT: "Tolerated"; PolyPhen-2: "Possibly Damaging"; Align-GVGD: "Class C0"). In summary, the available evidence is currently insufficient to determine the role of this variant in disease. Therefore, it has been classified as a Variant of Uncertain Significance.

NM_001909.5(CTSD):c.657G>T (p.Met219Ile)

Gene: CTSD (cathepsin D; minus strand). Cytogenetic location: 11p15.5.
Variant type: single nucleotide variant.
Coding change: c.657G>T on transcript NM_001909.5 (MANE Select); coding-DNA position 657, G replaced by T.
Protein change: p.Met219Ile; replaces methionine 219 with isoleucine.
Molecular consequence: missense variant.
Genome position (GRCh38, 1-based): chr11:1,757,371, C>A on the plus strand (G>T on the coding strand, the complement: CTSD is on the minus strand). VCF-style: chr11-1757371-C-A. GRCh37 (hg19) VCF-style: chr11-1778601-C-A.
Other names: c.657G>T (NM_001909.4); short protein forms M219I.
Identifiers: ClinVar variation 2128737 (VCV002128737.5), dbSNP rs2493823483, ClinGen allele CA379095920.